The following is an entry in ClinVar:

NM_017636.4(TRPM4):c.1169C>T (p.Ala390Val)

Gene: TRPM4 (transient receptor potential cation channel subfamily M member 4; plus strand). Cytogenetic location: 19q13.33.
Variant type: single nucleotide variant.
Coding change: c.1169C>T on transcript NM_017636.4 (MANE Select); coding-DNA position 1169, C replaced by T.
Protein change: p.Ala390Val; replaces alanine 390 with valine.
Molecular consequence: missense variant. On other transcripts: 5 prime UTR variant (1), intron variant (1).
Genome position (GRCh38, 1-based): chr19:49,181,367, C>T. VCF-style: chr19-49181367-C-T. GRCh37 (hg19) VCF-style: chr19-49684624-C-T.
Other names: c.1169C>T, p.Ala390Val (NM_001195227.2); c.824C>T, p.Ala275Val (NM_001321281.2); c.-385C>T (NM_001321282.2); c.647C>T, p.Ala216Val (NM_001321283.2); c.202-1211C>T (NM_001321285.2); short protein forms A275V, A390V, A216V.
Identifiers: ClinVar variation 3974265 (VCV003974265.1).
Genomic context (GRCh38, chr19:49,181,367, plus strand): 5'-CCTCCCCTGACTTCTTGTCCCCTCTCCCTCTAATCCTTCCAGCCTGTGGGAGCTCGGAGG[C>T]CTCAGCCTACCTGGATGAGCTGCGTTTGGCTGTGGCTTGGAACCGCGTGGACATTGCCCA-3'
Protein context (NP_060106.2, residues 380-400): ALVKACGSSE[Ala390Val]SAYLDELRLA

ClinVar aggregate classification (germline): Uncertain significance (1 of 4 stars; one submission).

Conditions:
Cardiovascular phenotype. Identifiers: MedGen CN230736.

Submission:

Ambry Genetics
Classification: Uncertain significance for Cardiovascular phenotype. Last evaluated: 2025-04-10. Review status: criteria provided, single submitter. Criteria: Ambry Variant Classification Scheme 2023. Collection method: clinical testing. Allele origin: germline.
Comment: The p.A390V variant (also known as c.1169C>T), located in coding exon 10 of the TRPM4 gene, results from a C to T substitution at nucleotide position 1169. The alanine at codon 390 is replaced by valine, an amino acid with similar properties. This amino acid position is conserved. In addition, this alteration is predicted to be tolerated by in silico analysis. Based on the available evidence, the clinical significance of this variant remains unclear.